The following is an entry in ClinVar:

ClinVar aggregate classification (germline): Likely benign. Review status: criteria provided, multiple submitters, no conflicts (2 of 4 stars). 4 submissions from 4 submitters: Likely benign (3). 1 of the submissions does not count toward it. Last evaluated 2026-01-01.

Conditions:
NALCN-related disorder. Also called: NALCN-related condition; NALCN-related disorders.

Allele frequency attached by ClinVar (database versions not stated): TOPMed 0.00056; gnomAD 0.00060 and 0.00069; ESP Exome Variant Server 0.00077; gnomAD exomes 0.00084 and 0.00101; ExAC 0.00086; 1000 Genomes Project 0.00100; 1000 Genomes Project 30x 0.00125.
gnomAD v4.1: 1,548 of 1,610,060 alleles (0.096%); highest among the groups gnomAD compares: South Asian, 0.28%; 4 homozygotes.

Submissions (6):

CeGaT Center for Human Genetics Tuebingen
Classification: Likely benign. Last evaluated: 2026-01-01. Review status: criteria provided, single submitter. Criteria: CeGaT Center For Human Genetics Tuebingen Variant Classification Criteria Version 2. Collection method: clinical testing. Allele origin: germline. Affected: yes. Observed: 3 variant alleles.
Comment: NALCN: PP2, PP3, BS2

Labcorp Genetics (formerly Invitae), Labcorp
Classification: Likely benign. Last evaluated: 2025-12-12. Review status: criteria provided, single submitter. Criteria: Invitae Variant Classification Sherloc (09022015). Collection method: clinical testing. Allele origin: germline.

GeneDx
Classification: Likely benign. Last evaluated: 2021-03-03. Review status: criteria provided, single submitter. Criteria: GeneDx Variant Classification Process June 2021. Collection method: clinical testing. Allele origin: germline. Affected: yes.

PreventionGenetics, part of Exact Sciences
Classification: Likely benign for NALCN-related condition. Last evaluated: 2022-07-27. Review status: no assertion criteria provided. Collection method: clinical testing. Allele origin: germline. Not counted in ClinVar's aggregate classification.
Comment: This variant is classified as likely benign based on ACMG/AMP sequence variant interpretation guidelines (Richards et al. 2015 PMID: 25741868, with internal and published modifications).

Dr. Peter K. Rogan Lab, Western University
No classification provided (evidence only). Condition: Ovarian serous cystadenocarcinoma. Review status: no classification provided. Collection method: in vitro. Allele origin: not applicable. Functional consequence: retained intron. Not counted in ClinVar's aggregate classification.

Dr. Peter K. Rogan Lab, Western University
No classification provided (evidence only). Condition: Malignant tumor of esophagus. Review status: no classification provided. Collection method: in vitro. Allele origin: not applicable. Functional consequence: retained intron. Not counted in ClinVar's aggregate classification.

NM_052867.4(NALCN):c.1567A>G (p.Ile523Val)

Gene: NALCN (sodium leak channel, non-selective; minus strand). Cytogenetic location: 13q33.1.
Variant type: single nucleotide variant.
Coding change: c.1567A>G on transcript NM_052867.4 (MANE Select); coding-DNA position 1567, A replaced by G.
Protein change: p.Ile523Val; replaces isoleucine 523 with valine.
Molecular consequence: missense variant.
Genome position (GRCh38, 1-based): chr13:101,229,452, T>C on the plus strand (A>G on the coding strand, the complement: NALCN is on the minus strand). VCF-style: chr13-101229452-T-C. GRCh37 (hg19) VCF-style: chr13-101881803-T-C.
Other names: c.1567A>G, p.Ile523Val (NM_001350748.2, NM_001350749.2); c.1480A>G, p.Ile494Val (NM_001350750.2, NM_001350751.2); short protein forms I494V, I523V.
Identifiers: ClinVar variation 701964 (VCV000701964.44), dbSNP rs150580612, ClinGen allele CA7036193.